The following is an entry in ClinVar:

ClinVar aggregate classification (germline): Uncertain significance (1 of 4 stars; one submission).

Conditions:
Inborn genetic diseases. Identifiers: MedGen C0950123, MeSH D030342.

Submission:

Ambry Genetics
Classification: Uncertain significance for Inborn genetic diseases. Last evaluated: 2022-03-06. Review status: criteria provided, single submitter. Criteria: Ambry Variant Classification Scheme 2023. Collection method: clinical testing. Allele origin: germline.
Comment: The p.V2216A variant (also known as c.6647T>C), located in coding exon 45 of the LRRK2 gene, results from a T to C substitution at nucleotide position 6647. The valine at codon 2216 is replaced by alanine, an amino acid with similar properties. This amino acid position is conserved. In addition, the in silico prediction for this alteration is inconclusive. Since supporting evidence is limited at this time, the clinical significance of this alteration remains unclear.

NM_198578.4(LRRK2):c.6647T>C (p.Val2216Ala)

Gene: LRRK2 (leucine rich repeat kinase 2; plus strand). Cytogenetic location: 12q12.
Variant type: single nucleotide variant.
Coding change: c.6647T>C on transcript NM_198578.4 (MANE Select); coding-DNA position 6647, T replaced by C.
Protein change: p.Val2216Ala; replaces valine 2216 with alanine.
Molecular consequence: missense variant.
Genome position (GRCh38, 1-based): chr12:40,354,369, T>C. VCF-style: chr12-40354369-T-C. GRCh37 (hg19) VCF-style: chr12-40748171-T-C.
Other names: short protein forms V2216A.
Identifiers: ClinVar variation 1754663 (VCV001754663.2), dbSNP rs2499993468, ClinGen allele CA384409021.